The following is an entry in ClinVar:

NM_001145011.2(C16orf96):c.1450C>T (p.Arg484Cys)

Gene: C16orf96 (chromosome 16 open reading frame 96; plus strand). Cytogenetic location: 16p13.3.
Variant type: single nucleotide variant.
Coding change: c.1450C>T on transcript NM_001145011.2 (MANE Select); coding-DNA position 1450, C replaced by T.
Protein change: p.Arg484Cys; replaces arginine 484 with cysteine.
Molecular consequence: missense variant.
Genome position (GRCh38, 1-based): chr16:4,575,930, C>T. VCF-style: chr16-4575930-C-T. GRCh37 (hg19) VCF-style: chr16-4625931-C-T.
Other names: c.1450C>T, p.Arg484Cys (NM_001387219.1); short protein forms R484C.
Identifiers: ClinVar variation 771013 (VCV000771013.11), dbSNP rs185475621, ClinGen allele CA7877300.

ClinVar aggregate classification (germline): Benign/Likely benign. Review status: criteria provided, multiple submitters, no conflicts (2 of 4 stars). 3 submissions from 3 submitters: Benign (2); Likely benign (1). Last evaluated 2026-07-01.

Allele frequency attached by ClinVar (database versions not stated): gnomAD exomes 0.00302 and 0.00361; 1000 Genomes Project 0.00359; 1000 Genomes Project 30x 0.00406; ExAC 0.00624; gnomAD 0.00727 and 0.00758; TOPMed 0.00780; ESP Exome Variant Server 0.00810.
gnomAD v4.1: 5,421 of 1,536,462 alleles (0.35%); highest among the groups gnomAD compares: Middle Eastern, 2.2%; 42 homozygotes.

Submissions (3):

CeGaT Center for Human Genetics Tuebingen
Classification: Likely benign. Last evaluated: 2026-07-01. Review status: criteria provided, single submitter. Criteria: CeGaT Center For Human Genetics Tuebingen Variant Classification Criteria Version 2. Collection method: clinical testing. Allele origin: germline. Affected: yes. Observed: 2 variant alleles.
Comment: C16orf96: BP4, BS2

Labcorp Genetics (formerly Invitae), Labcorp
Classification: Benign. Last evaluated: 2017-06-06. Review status: criteria provided, single submitter. Criteria: Invitae Variant Classification Sherloc (09022015). Collection method: clinical testing. Allele origin: germline.

Breakthrough Genomics
Classification: Benign. Review status: criteria provided, single submitter. Criteria: ACMG Guidelines, 2015. Collection method: not provided. Allele origin: germline. Inheritance: Unknown mechanism. Affected: yes.